The following is an entry in ClinVar:

ClinVar aggregate classification (germline): Uncertain significance. Review status: criteria provided, multiple submitters, no conflicts (2 of 4 stars). 6 submissions from 6 submitters: Uncertain significance (5). 1 of the submissions does not count toward it. Last evaluated 2025-11-17.

Conditions:
Hereditary cancer-predisposing syndrome. Also called: Hereditary neoplastic syndrome; Neoplastic Syndromes, Hereditary; Tumor predisposition; Hereditary Cancer Syndrome. Identifiers: Orphanet 140162, MedGen C0027672, MeSH D009386, MONDO:0015356.
Microcephaly, normal intelligence and immunodeficiency (NBS). Also called: IMMUNODEFICIENCY, MICROCEPHALY, AND CHROMOSOMAL INSTABILITY; SEEMANOVA SYNDROME II; Nijmegen breakage syndrome; Microcephaly with normal intelligence immunodeficiency and lymphoreticular malignancies; Nonsyndromal microcephaly autosomal recessive with normal intelligence; Seemanova syndrome 2. Identifiers: Orphanet 647, MedGen C0398791, MONDO:0009623, OMIM 251260.
Aplastic anemia. Identifiers: Orphanet 182040, Orphanet 88, MedGen C0002874, MONDO:0015909, OMIM 609135, HP:0001915.

Allele frequency attached by ClinVar (database versions not stated): ExAC 0.00001.
gnomAD v4.1: 8 of 1,612,562 alleles (0.0005%); highest among the groups gnomAD compares: South Asian, 0.0022%; no homozygotes.

Submissions (6):

Labcorp Genetics (formerly Invitae), Labcorp
Classification: Uncertain significance for Microcephaly, normal intelligence and immunodeficiency. Last evaluated: 2025-11-17. Review status: criteria provided, single submitter. Criteria: Invitae Variant Classification Sherloc (09022015). Collection method: clinical testing. Allele origin: germline.
Comment: This sequence change replaces aspartic acid, which is acidic and polar, with glycine, which is neutral and non-polar, at codon 201 of the NBN protein (p.Asp201Gly). This variant is present in population databases (rs587780098, gnomAD 0.003%). This variant has not been reported in the literature in individuals affected with NBN-related conditions. ClinVar contains an entry for this variant (Variation ID: 480015). An algorithm developed to predict the effect of missense changes on protein structure and function (PolyPhen-2) suggests that this variant is likely to be disruptive. In summary, the available evidence is currently insufficient to determine the role of this variant in disease. Therefore, it has been classified as a Variant of Uncertain Significance.

Ambry Genetics
Classification: Uncertain significance for Hereditary cancer-predisposing syndrome. Last evaluated: 2024-07-09. Review status: criteria provided, single submitter. Criteria: Ambry Variant Classification Scheme 2023. Collection method: clinical testing. Allele origin: germline.
Comment: The p.D201G variant (also known as c.602A>G), located in coding exon 6 of the NBN gene, results from an A to G substitution at nucleotide position 602. The aspartic acid at codon 201 is replaced by glycine, an amino acid with similar properties. This amino acid position is highly conserved in available vertebrate species. In addition, the in silico prediction for this alteration is inconclusive. Since supporting evidence is limited at this time, the clinical significance of this alteration remains unclear.

Baylor Genetics
Classification: Uncertain significance for Aplastic anemia. Last evaluated: 2023-05-16. Review status: criteria provided, single submitter. Criteria: ACMG Guidelines, 2015. Collection method: clinical testing. Allele origin: unknown.

Genome-Nilou Lab
Classification: Uncertain significance for Microcephaly, normal intelligence and immunodeficiency. Last evaluated: 2021-11-07. Review status: criteria provided, single submitter. Criteria: ACMG Guidelines, 2015. Collection method: clinical testing. Allele origin: germline. Affected: no.

GeneDx
Classification: Uncertain significance. Last evaluated: 2019-11-27. Review status: criteria provided, single submitter. Criteria: GeneDx Variant Classification Process June 2021. Collection method: clinical testing. Allele origin: germline. Affected: yes.
Comment: Not observed at a significant frequency in large population cohorts (Lek 2016); In silico analysis, which includes protein predictors and evolutionary conservation, supports a deleterious effect; Has not been previously published as pathogenic or benign to our knowledge

Natera, Inc.
Classification: Uncertain significance for Nijmegen breakage syndrome. Last evaluated: 2020-09-16. Review status: no assertion criteria provided. Collection method: clinical testing. Allele origin: germline. Not counted in ClinVar's aggregate classification.

NM_002485.5(NBN):c.602A>G (p.Asp201Gly)

Gene: NBN (nibrin; minus strand). Cytogenetic location: 8q21.3.
Variant type: single nucleotide variant.
Coding change: c.602A>G on transcript NM_002485.5 (MANE Select); coding-DNA position 602, A replaced by G.
Protein change: p.Asp201Gly; replaces aspartic acid 201 with glycine.
Molecular consequence: missense variant.
Genome position (GRCh38, 1-based): chr8:89,971,273, T>C on the plus strand (A>G on the coding strand, the complement: NBN is on the minus strand). VCF-style: chr8-89971273-T-C. GRCh37 (hg19) VCF-style: chr8-90983501-T-C.
Other names: c.356A>G, p.Asp119Gly (NM_001024688.3); short protein forms D201G, D119G.
Identifiers: ClinVar variation 480015 (VCV000480015.23), dbSNP rs587780098, ClinGen allele CA4802922.